The following is an entry in ClinVar:

NM_001378454.1(ALMS1):c.4323G>T (p.Gln1441His)

Gene: ALMS1 (ALMS1 centrosome and basal body associated protein; plus strand). Cytogenetic location: 2p13.1.
Variant type: single nucleotide variant.
Coding change: c.4323G>T on transcript NM_001378454.1 (MANE Select); coding-DNA position 4323, G replaced by T.
Protein change: p.Gln1441His; replaces glutamine 1441 with histidine.
Molecular consequence: missense variant.
Genome position (GRCh38, 1-based): chr2:73,450,850, G>T. VCF-style: chr2-73450850-G-T. GRCh37 (hg19) VCF-style: chr2-73677977-G-T.
Other names: c.4326G>T, p.Gln1442His (NM_015120.4); short protein forms Q1441H, Q1442H.
Identifiers: ClinVar variation 3034352 (VCV003034352.1), dbSNP rs2466101292, ClinGen allele CA347278125.
Genomic context (GRCh38, chr2:73,450,850, plus strand): 5'-ACCAACTTTACCCTCTACTTTCTACTCACACACAGAGAAGCCTGGTAGTTTCTACCAACA[G>T]GTCTTGCCACATAGTCATCTACCTGAAGAGGCTTTGGAAGTTTCAGTTGCTCCTGGACCA-3'
Protein context (NP_001365383.1, residues 1431-1451): HTEKPGSFYQ[Gln1441His]VLPHSHLPEE

ClinVar aggregate classification (germline): Benign (1 of 4 stars; one submission).

Conditions:
ALMS1-related disorder. Also called: ALMS1-related condition.

Submission:

PreventionGenetics, part of Exact Sciences
Classification: Benign for ALMS1-related condition. Last evaluated: 2019-10-03. Review status: criteria provided, single submitter. Criteria: ACMG Guidelines, 2015. Collection method: clinical testing. Allele origin: germline.
Comment: This variant is classified as benign based on ACMG/AMP sequence variant interpretation guidelines (Richards et al. 2015 PMID: 25741868, with internal and published modifications).